The following is an entry in ClinVar:

ClinVar aggregate classification (germline): Uncertain significance (1 of 4 stars; one submission).

Submission:

Labcorp Genetics (formerly Invitae), Labcorp
Classification: Uncertain significance. Last evaluated: 2022-05-31. Review status: criteria provided, single submitter. Criteria: Invitae Variant Classification Sherloc (09022015). Collection method: clinical testing. Allele origin: germline.
Comment: This sequence change falls in intron 76 of the HMCN1 gene. It does not directly change the encoded amino acid sequence of the HMCN1 protein. It affects a nucleotide within the consensus splice site. This variant is not present in population databases (gnomAD no frequency). This variant has not been reported in the literature in individuals affected with HMCN1-related conditions. Variants that disrupt the consensus splice site are a relatively common cause of aberrant splicing (PMID: 17576681, 9536098). Algorithms developed to predict the effect of sequence changes on RNA splicing suggest that this variant is not likely to affect RNA splicing. In summary, the available evidence is currently insufficient to determine the role of this variant in disease. Therefore, it has been classified as a Variant of Uncertain Significance.

Literature cited by the submitters: PubMed 17576681; PubMed 9536098.

NM_031935.3(HMCN1):c.11683+6A>G

Gene: HMCN1 (hemicentin 1; plus strand). Cytogenetic location: 1q31.1.
Variant type: single nucleotide variant.
Coding change: c.11683+6A>G on transcript NM_031935.3 (MANE Select); 6 bases into the intron after coding-DNA position 11683, A replaced by G.
Molecular consequence: intron variant.
Genome position (GRCh38, 1-based): chr1:186,117,121, A>G. VCF-style: chr1-186117121-A-G. GRCh37 (hg19) VCF-style: chr1-186086253-A-G.
Identifiers: ClinVar variation 2001468 (VCV002001468.4), dbSNP rs2528014802, ClinGen allele CA2580061691.